The following is an entry in ClinVar:

ClinVar aggregate classification (germline): Uncertain significance (1 of 4 stars; one submission).

Allele frequency attached by ClinVar (database versions not stated): TOPMed below 0.00001; gnomAD 0.00001.
gnomAD v4.1: 1 of 1,613,452 alleles (0.000062%); highest among the groups gnomAD compares: African/African-American, 0.0013%; no homozygotes.

Submission:

Labcorp Genetics (formerly Invitae), Labcorp
Classification: Uncertain significance. Last evaluated: 2024-02-24. Review status: criteria provided, single submitter. Criteria: Invitae Variant Classification Sherloc (09022015). Collection method: clinical testing. Allele origin: germline.
Comment: This sequence change replaces lysine, which is basic and polar, with glutamine, which is neutral and polar, at codon 1360 of the DUOX2 protein (p.Lys1360Gln). This variant is present in population databases (no rsID available, gnomAD 0.01%). This variant has not been reported in the literature in individuals affected with DUOX2-related conditions. ClinVar contains an entry for this variant (Variation ID: 1958464). An algorithm developed to predict the effect of missense changes on protein structure and function (PolyPhen-2) suggests that this variant is likely to be disruptive. In summary, the available evidence is currently insufficient to determine the role of this variant in disease. Therefore, it has been classified as a Variant of Uncertain Significance.

NM_001363711.2(DUOX2):c.4078A>C (p.Lys1360Gln)

Gene: DUOX2 (dual oxidase 2; minus strand). Cytogenetic location: 15q21.1.
Variant type: single nucleotide variant.
Coding change: c.4078A>C on transcript NM_001363711.2 (MANE Select); coding-DNA position 4078, A replaced by C.
Protein change: p.Lys1360Gln; replaces lysine 1360 with glutamine.
Molecular consequence: missense variant.
Genome position (GRCh38, 1-based): chr15:45,095,830, T>G on the plus strand (A>C on the coding strand, the complement: DUOX2 is on the minus strand). VCF-style: chr15-45095830-T-G. GRCh37 (hg19) VCF-style: chr15-45388028-T-G.
Other names: c.4078A>C, p.Lys1360Gln (NM_014080.5); short protein forms K1360Q.
Identifiers: ClinVar variation 1958464 (VCV001958464.5), dbSNP rs1277170325, ClinGen allele CA392253354.
Genomic context (GRCh38, chr15:45,095,830, plus strand): 5'-GGCAGAGATCCTCTGCCAGTGCCAGAGGCCCGGAAGCAGGGTTCCCAGTGACGGGCACCT[T>G]TGGGTATCCAGCACAGCCATTGCCCTTTGGGGATGAGTAGATCTCCCTGAGGCGAGTGGT-3'
Protein context (NP_001350640.1, residues 1350-1370): PKGNGCAGYP[Lys1360Gln]LYLDGPFGEG